The following is an entry in ClinVar:

NM_001127208.3(TET2):c.1841_1842delinsTT (p.Gly614Val)

Genes: TET2 (tet methylcytosine dioxygenase 2; plus strand), TET2-AS1 (TET2 antisense RNA 1; minus strand). Cytogenetic location: 4q24.
Variant type: Indel.
Coding change: c.1841_1842delinsTT on transcript NM_001127208.3 (MANE Select); coding-DNA positions 1841 to 1842, GG replaced by TT.
Protein change: p.Gly614Val; replaces glycine 614 with valine.
Molecular consequence: missense variant.
Genome position (GRCh38, 1-based): chr4:105,235,783-105,235,784, GG replaced by TT. VCF-style: chr4-105235783-GG-TT. GRCh37 (hg19) VCF-style: chr4-106156940-GG-TT.
Other names: c.1841_1842delinsTT, p.Gly614Val (NM_017628.4); short protein forms G614V.
Identifiers: ClinVar variation 2753061 (VCV002753061.3), dbSNP rs2476494312, ClinGen allele CA2697546846.

ClinVar aggregate classification (germline): Uncertain significance (1 of 4 stars; one submission).

Submission:

Labcorp Genetics (formerly Invitae), Labcorp
Classification: Uncertain significance. Last evaluated: 2023-08-16. Review status: criteria provided, single submitter. Criteria: Invitae Variant Classification Sherloc (09022015). Collection method: clinical testing. Allele origin: germline.
Comment: This variant has not been reported in the literature in individuals affected with TET2-related conditions. Information on the frequency of this variant in the gnomAD database is not available, as this variant may be reported differently in the database. This sequence change replaces glycine, which is neutral and non-polar, with valine, which is neutral and non-polar, at codon 614 of the TET2 protein (p.Gly614Val). An algorithm developed to predict the effect of missense changes on protein structure and function (PolyPhen-2) suggests that this variant is likely to be disruptive. In summary, the available evidence is currently insufficient to determine the role of this variant in disease. Therefore, it has been classified as a Variant of Uncertain Significance.